The following is an entry in ClinVar:

ClinVar aggregate classification (germline): Pathogenic (1 of 4 stars; one submission).

Submission:

GeneDx
Classification: Pathogenic. Last evaluated: 2022-12-01. Review status: criteria provided, single submitter. Criteria: GeneDx Variant Classification Process June 2021. Collection method: clinical testing. Allele origin: germline. Affected: yes.
Comment: Frameshift variant predicted to result in protein truncation or nonsense mediated decay in a gene for which loss-of-function is a known mechanism of disease; Not observed at significant frequency in large population cohorts (gnomAD); This variant is associated with the following publications: (PMID: 33150406)

NM_014727.3(KMT2B):c.6895dup (p.Arg2299fs)

Gene: KMT2B (lysine methyltransferase 2B; plus strand). Cytogenetic location: 19q13.12.
Variant type: Duplication.
Coding change: c.6895dup on transcript NM_014727.3 (MANE Select); coding-DNA position 6895, one base duplicated (C; older notation c.6895dupC).
Protein change: p.Arg2299fs; shifts the reading frame from arginine 2299.
Molecular consequence: frameshift variant.
Genome position (GRCh38, 1-based): chr19:35,733,444, C duplicated; the last of 6 consecutive C bases (chr19:35,733,439-35,733,444); duplicating any one gives the same sequence. VCF-style (leftmost placement, unchanged base first): chr19-35733438-G-GC. GRCh37 (hg19) VCF-style: chr19-36224339-G-GC.
Other names: short protein forms R2299fs.
Identifiers: ClinVar variation 1678828 (VCV001678828.2), dbSNP rs1568382485, ClinGen allele CA507308302.
Genomic context (GRCh38, chr19:35,733,438, plus strand): 5'-CGCGTCAAGAGGGTGTCCACTTTCTCCGGCCGGTCCCCGCCAGCACCTCCCCCATACAAA[G>GC]CCCCCCGGCTGGATGAAGATGGAGAGGCCTCAGAGGATACCCCTCAGGTTCCAGGGCTTG-3'